The following is an entry in ClinVar:

ClinVar aggregate classification (germline): Conflicting classifications of pathogenicity. Review status: criteria provided, conflicting classifications (1 of 4 stars). 2 submissions from 2 submitters: Uncertain significance (1); Likely benign (1). Last evaluated 2025-09-11.

Conditions:
Inborn genetic diseases. Identifiers: MedGen C0950123, MeSH D030342.

Allele frequency attached by ClinVar (database versions not stated): ExAC 0.00014.
gnomAD v4.1: 49 of 1,613,998 alleles (0.003%); highest among the groups gnomAD compares: Admixed American, 0.063%; no homozygotes.

Submissions (2):

Ambry Genetics
Classification: Likely benign for Inborn genetic diseases. Last evaluated: 2025-09-11. Review status: criteria provided, single submitter. Criteria: Ambry Variant Classification Scheme 2023. Collection method: clinical testing. Allele origin: germline.

Labcorp Genetics (formerly Invitae), Labcorp
Classification: Uncertain significance. Last evaluated: 2022-07-25. Review status: criteria provided, single submitter. Criteria: Invitae Variant Classification Sherloc (09022015). Collection method: clinical testing. Allele origin: germline.
Comment: This sequence change replaces isoleucine, which is neutral and non-polar, with threonine, which is neutral and polar, at codon 173 of the ATP6V0A4 protein (p.Ile173Thr). This variant is present in population databases (rs751849649, gnomAD 0.09%). This variant has not been reported in the literature in individuals affected with ATP6V0A4-related conditions. Algorithms developed to predict the effect of missense changes on protein structure and function output the following: SIFT: "Tolerated"; PolyPhen-2: "Benign"; Align-GVGD: "Class C0". The threonine amino acid residue is found in multiple mammalian species, which suggests that this missense change does not adversely affect protein function. In summary, the available evidence is currently insufficient to determine the role of this variant in disease. Therefore, it has been classified as a Variant of Uncertain Significance.

NM_020632.3(ATP6V0A4):c.518T>C (p.Ile173Thr)

Gene: ATP6V0A4 (ATPase H+ transporting V0 subunit a4; minus strand). Cytogenetic location: 7q34.
Variant type: single nucleotide variant.
Coding change: c.518T>C on transcript NM_020632.3 (MANE Select); coding-DNA position 518, T replaced by C.
Protein change: p.Ile173Thr; replaces isoleucine 173 with threonine.
Molecular consequence: missense variant.
Genome position (GRCh38, 1-based): chr7:138,759,873, A>G on the plus strand (T>C on the coding strand, the complement: ATP6V0A4 is on the minus strand). VCF-style: chr7-138759873-A-G. GRCh37 (hg19) VCF-style: chr7-138444618-A-G.
Other names: c.518T>C (NM_020632.2); c.518T>C, p.Ile173Thr (NM_130840.3, NM_130841.3); short protein forms I173T.
Identifiers: ClinVar variation 1923537 (VCV001923537.3), dbSNP rs751849649, ClinGen allele CA4505090.